The following is an entry in ClinVar:

NM_032188.3(KAT8):c.718A>T (p.Ile240Phe)

Gene: KAT8 (lysine acetyltransferase 8; plus strand). Cytogenetic location: 16p11.2.
Variant type: single nucleotide variant.
Coding change: c.718A>T on transcript NM_032188.3 (MANE Select); coding-DNA position 718, A replaced by T.
Protein change: p.Ile240Phe; replaces isoleucine 240 with phenylalanine.
Molecular consequence: missense variant.
Genome position (GRCh38, 1-based): chr16:31,128,086, A>T. VCF-style: chr16-31128086-A-T. GRCh37 (hg19) VCF-style: chr16-31139407-A-T.
Other names: c.718A>T, p.Ile240Phe (NM_182958.4); short protein forms I240F.
Identifiers: ClinVar variation 3897511 (VCV003897511.1).

ClinVar aggregate classification (germline): Uncertain significance (1 of 4 stars; one submission).

Submission:

GeneDx
Classification: Uncertain significance. Last evaluated: 2024-10-30. Review status: criteria provided, single submitter. Criteria: GeneDx Variant Classification Process June 2021. Collection method: clinical testing. Allele origin: germline. Affected: yes.
Comment: Not observed at significant frequency in large population cohorts (gnomAD); In silico analysis supports that this missense variant has a deleterious effect on protein structure/function; Has not been previously published as pathogenic or benign to our knowledge